The following is an entry in ClinVar:

ClinVar aggregate classification (germline): Pathogenic/Likely pathogenic. Review status: criteria provided, multiple submitters, no conflicts (2 of 4 stars). 2 submissions from 2 submitters: Pathogenic (1); Likely pathogenic (1). Last evaluated 2024-01-19.

Conditions:
Autosomal recessive nonsyndromic hearing loss 4 (DFNB4). Also called: Deafness, autosomal recessive 4; Enlarged vestibular aqueduct, digenic; NEUROSENSORY NONSYNDROMIC RECESSIVE DEAFNESS 4; Nonsyndromic enlarged vestibular aqueduct (NSEVA); FOXI1-Related Pendred Syndrome; KCNJ10-Related Pendred Syndrome. Identifiers: Orphanet 90636, MedGen C3538946, MONDO:0010933, OMIM 600791.

gnomAD v4.1: 1 of 1,614,120 alleles (0.000062%); highest among the groups gnomAD compares: Admixed American, 0.0017%; no homozygotes.

Submissions (2):

Baylor Genetics
Classification: Likely pathogenic for Autosomal recessive nonsyndromic hearing loss 4. Last evaluated: 2024-01-19. Review status: criteria provided, single submitter. Criteria: ACMG Guidelines, 2015. Collection method: clinical testing. Allele origin: unknown.

Labcorp Genetics (formerly Invitae), Labcorp
Classification: Pathogenic. Last evaluated: 2023-07-17. Review status: criteria provided, single submitter. Criteria: Invitae Variant Classification Sherloc (09022015). Collection method: clinical testing. Allele origin: germline.
Comment: For these reasons, this variant has been classified as Pathogenic. This variant has not been reported in the literature in individuals affected with SLC26A4-related conditions. This variant is present in population databases (no rsID available, gnomAD 0.003%). This sequence change creates a premature translational stop signal (p.Trp74*) in the SLC26A4 gene. It is expected to result in an absent or disrupted protein product. Loss-of-function variants in SLC26A4 are known to be pathogenic (PMID: 16283880, 25394566, 26252218, 26445815).

Literature cited by the submitters: PubMed 16283880 (cited by Labcorp Genetics (formerly Invitae), Labcorp); PubMed 25394566 (cited by Labcorp Genetics (formerly Invitae), Labcorp); PubMed 26252218 (cited by Labcorp Genetics (formerly Invitae), Labcorp); PubMed 26445815 (cited by Labcorp Genetics (formerly Invitae), Labcorp).

NM_000441.2(SLC26A4):c.222G>A (p.Trp74Ter)

Gene: SLC26A4 (solute carrier family 26 member 4; plus strand). Cytogenetic location: 7q22.3.
Variant type: single nucleotide variant.
Coding change: c.222G>A on transcript NM_000441.2 (MANE Select); coding-DNA position 222, G replaced by A.
Protein change: p.Trp74Ter; replaces tryptophan 74 with a stop codon.
Molecular consequence: nonsense.
Genome position (GRCh38, 1-based): chr7:107,663,353, G>A. VCF-style: chr7-107663353-G-A. GRCh37 (hg19) VCF-style: chr7-107303798-G-A.
Other names: short protein forms W74*.
Identifiers: ClinVar variation 2678918 (VCV002678918.5), dbSNP rs1388888912, ClinGen allele CA368845413.
Genomic context (GRCh38, chr7:107,663,353, plus strand): 5'-CAGTTGTTCAAGAAAGAGAGCCTTTGGTGTGCTAAAGACTCTTGTGCCCATCTTGGAGTG[G>A]CTCCCCAAATACCGAGTCAAGGAATGGCTGCTTAGTGACGTCATTTCGGGAGTTAGTACT-3'